The following is an entry in ClinVar:

ClinVar aggregate classification (germline): Uncertain significance (1 of 4 stars; one submission).

Submission:

Labcorp Genetics (formerly Invitae), Labcorp
Classification: Uncertain significance. Last evaluated: 2022-06-17. Review status: criteria provided, single submitter. Criteria: Invitae Variant Classification Sherloc (09022015). Collection method: clinical testing. Allele origin: germline.
Comment: In summary, the available evidence is currently insufficient to determine the role of this variant in disease. Therefore, it has been classified as a Variant of Uncertain Significance. Algorithms developed to predict the effect of missense changes on protein structure and function (SIFT, PolyPhen-2, Align-GVGD) all suggest that this variant is likely to be tolerated. This variant has not been reported in the literature in individuals affected with FAR1-related conditions. This variant is not present in population databases (gnomAD no frequency). This sequence change replaces isoleucine, which is neutral and non-polar, with valine, which is neutral and non-polar, at codon 101 of the FAR1 protein (p.Ile101Val).

NM_032228.6(FAR1):c.301A>G (p.Ile101Val)

Gene: FAR1 (fatty acyl-CoA reductase 1; plus strand). Cytogenetic location: 11p15.3.
Variant type: single nucleotide variant.
Coding change: c.301A>G on transcript NM_032228.6 (MANE Select); coding-DNA position 301, A replaced by G.
Protein change: p.Ile101Val; replaces isoleucine 101 with valine.
Molecular consequence: missense variant.
Genome position (GRCh38, 1-based): chr11:13,700,428, A>G. VCF-style: chr11-13700428-A-G. GRCh37 (hg19) VCF-style: chr11-13721975-A-G.
Other names: short protein forms I101V.
Identifiers: ClinVar variation 2006570 (VCV002006570.4), dbSNP rs2500114351, ClinGen allele CA379856692.